The following is an entry in ClinVar:

ClinVar aggregate classification (germline): Likely benign. Review status: criteria provided, multiple submitters, no conflicts (2 of 4 stars). 2 submissions from 2 submitters: Likely benign (2). Last evaluated 2022-04-01.

Allele frequency attached by ClinVar (database versions not stated): gnomAD 0.00001; gnomAD exomes 0.00004.
gnomAD v4.1: 21 of 681,196 alleles (0.0031%); highest among the groups gnomAD compares: Middle Eastern, 0.037%; no homozygotes.

Submissions (2):

CeGaT Center for Human Genetics Tuebingen
Classification: Likely benign. Last evaluated: 2022-04-01. Review status: criteria provided, single submitter. Criteria: CeGaT Center For Human Genetics Tuebingen Variant Classification Criteria Version 2. Collection method: clinical testing. Allele origin: germline. Affected: yes. Observed: 1 variant allele.
Comment: NOTCH2: BP4, BP7

Breakthrough Genomics
Classification: Likely benign. Review status: criteria provided, single submitter. Criteria: ACMG Guidelines, 2015. Collection method: not provided. Allele origin: germline. Inheritance: Autosomal dominant inheritance. Affected: yes.

NM_024408.4(NOTCH2):c.144A>G (p.Thr48=)

Gene: NOTCH2 (notch receptor 2; minus strand). Cytogenetic location: 1p12.
Variant type: single nucleotide variant.
Coding change: c.144A>G on transcript NM_024408.4 (MANE Select); coding-DNA position 144, A replaced by G.
Protein change: p.Thr48=; no amino-acid change (threonine 48 retained).
Molecular consequence: synonymous variant.
Genome position (GRCh38, 1-based): chr1:120,029,917, T>C on the plus strand (A>G on the coding strand, the complement: NOTCH2 is on the minus strand). VCF-style: chr1-120029917-T-C. GRCh37 (hg19) VCF-style: chr1-120572540-T-C.
Other names: c.144A>G, p.Thr48= (NM_001200001.2).
Identifiers: ClinVar variation 2639056 (VCV002639056.25), dbSNP rs781794190, ClinGen allele CA1040933.